The following is an entry in ClinVar:

NM_001079802.2(FKTN):c.49A>C (p.Ser17Arg)

Gene: FKTN (fukutin; plus strand). Cytogenetic location: 9q31.2.
Variant type: single nucleotide variant.
Coding change: c.49A>C on transcript NM_001079802.2 (MANE Select); coding-DNA position 49, A replaced by C.
Protein change: p.Ser17Arg; replaces serine 17 with arginine.
Molecular consequence: missense variant. On other transcripts: 5 prime UTR variant (5), non-coding transcript variant (2).
Genome position (GRCh38, 1-based): chr9:105,575,081, A>C. VCF-style: chr9-105575081-A-C. GRCh37 (hg19) VCF-style: chr9-108337362-A-C.
Other names: c.49A>C, p.Ser17Arg (NM_001198963.2, NM_001351496.2, NM_001351498.2 and 1 more transcripts); c.-119A>C (NM_001351497.2); c.-466A>C (NM_001351499.2, NM_001351500.2, NM_001351501.2 and 1 more transcripts); short protein forms S17R.
Identifiers: ClinVar variation 2675716 (VCV002675716.11), dbSNP rs1272573854, ClinGen allele CA374330877.
Genomic context (GRCh38, chr9:105,575,081, plus strand): 5'-CAGCACAGACTAATGAGTAGAATCAATAAGAACGTGGTTTTGGCCCTTTTAACGCTGACA[A>C]GTTCTGCATTTCTGCTGTTTCAGTTGTACTACTACAAGCACTATTTATCAACAAAGGTAA-3'
Protein context (NP_001073270.1, residues 7-27): NVVLALLTLT[Ser17Arg]SAFLLFQLYY

ClinVar aggregate classification (germline): Likely pathogenic. Review status: criteria provided, multiple submitters, no conflicts (2 of 4 stars). 6 submissions from 6 submitters: Likely pathogenic (6). Last evaluated 2026-03-31.

Conditions:
Dilated cardiomyopathy 1X (CMD1X). Also called: FKTN-Related Dilated Cardiomyopathy; CARDIOMYOPATHY, DILATED, WITH MILD OR NO PROXIMAL MUSCLE WEAKNESS. Identifiers: Orphanet 154, MedGen C1969024, MONDO:0012704, OMIM 611615.
Muscular dystrophy-dystroglycanopathy (congenital with brain and eye anomalies), type A, 4 (MDDGA4). Also called: WALKER-WARBURG SYNDROME OR MUSCLE-EYE-BRAIN DISEASE, FKTN-RELATED; Congenital muscular dystrophy-dystroglycanopathy with brain and eye anomalies, type A4; Muscular dystrophy, congenital progressive, with mental retardation; Muscular dystrophy, congenital, with central nervous system involvement; Cerebromuscular dystrophy, Fukuyama type; Fukuyama congenital muscular dystrophy. Identifiers: Orphanet 272, Orphanet 588, Orphanet 899, MedGen C0410174, MONDO:0009678, OMIM 253800.
Autosomal recessive limb-girdle muscular dystrophy type 2M. Also called: MUSCULAR DYSTROPHY-DYSTROGLYCANOPATHY (LIMB-GIRDLE), TYPE C, 4; MUSCULAR DYSTROPHY, LIMB-GIRDLE, TYPE 2M. Identifiers: Orphanet 206554, MedGen C1969040, MONDO:0012699, OMIM 611588.
Muscular dystrophy-dystroglycanopathy (congenital without impaired intellectual development), type B, 4. Also called: MUSCULAR DYSTROPHY, CONGENITAL, FKTN-RELATED; Muscular dystrophy-dystroglycanopathy (congenital without intellectual disability), type B4. Identifiers: MedGen C2751052, MONDO:0013156, OMIM 613152.
Walker-Warburg congenital muscular dystrophy. Also called: Muscular dystrophy-dystroglycanopathy, type A; Walker-Warburg syndrome. Identifiers: Orphanet 899, MedGen C0265221, MONDO:0000171.
Myopathy caused by variation in FKTN. Identifiers: MedGen CN305638, MONDO:0700067.

Allele frequency attached by ClinVar (database versions not stated): gnomAD exomes 0.00001.
gnomAD v4.1: 4 of 1,612,554 alleles (0.00025%); highest among the groups gnomAD compares: East Asian, 0.0089%; no homozygotes.

Submissions (6):

Myriad Genetics, Inc.
Classification: Likely pathogenic for Myopathy caused by variation in FKTN. Last evaluated: 2026-03-31. Review status: criteria provided, single submitter. Criteria: Myriad Autosomal Dominant, Autosomal Recessive and X-Linked Classification Criteria (2023). Collection method: clinical testing. Allele origin: unknown.
Comment: NM_001079802.1(FKTN):c.49A>C(S17R) is a missense variant classified as likely pathogenic in the context of FKTN-related disorders. S17R has been observed in cases with relevant disease (PMID: 33200426, Cha_2017_(Article), 37087885, 30894207). Relevant functional assessments of this variant are not available in the literature. S17R has been observed in referenced population frequency databases. In summary, NM_001079802.1(FKTN):c.49A>C(S17R) is a missense variant that has been observed more frequently in cases with the relevant disease than in healthy populations. Please note: this variant was assessed in the context of healthy population screening.

Labcorp Genetics (formerly Invitae), Labcorp
Classification: Likely pathogenic for Walker-Warburg congenital muscular dystrophy. Last evaluated: 2026-01-27. Review status: criteria provided, single submitter. Criteria: Invitae Variant Classification Sherloc (09022015). Collection method: clinical testing. Allele origin: germline.
Comment: This sequence change replaces serine, which is neutral and polar, with arginine, which is basic and polar, at codon 17 of the FKTN protein (p.Ser17Arg). This variant is present in population databases (no rsID available, gnomAD 0.02%). This missense change has been observed in individual(s) with limb-girdle muscular dystrophy and/or muscle–eye–brain disease (PMID: 33200426, 36005429, 37087885). ClinVar contains an entry for this variant (Variation ID: 2675716). Invitae Evidence Modeling of protein sequence and biophysical properties (such as structural, functional, and spatial information, amino acid conservation, physicochemical variation, residue mobility, and thermodynamic stability) has been performed for this missense variant. However, the output from this modeling did not meet the statistical confidence thresholds required to predict the impact of this variant on FKTN protein function. In summary, the currently available evidence indicates that the variant is pathogenic, but additional data are needed to prove that conclusively. Therefore, this variant has been classified as Likely Pathogenic.

Women's Health and Genetics/Laboratory Corporation of America, LabCorp
Classification: Likely pathogenic for Muscular dystrophy-dystroglycanopathy (congenital with brain and eye anomalies), type A, 4. Last evaluated: 2025-08-29. Review status: criteria provided, single submitter. Criteria: LabCorp Variant Classification Summary - May 2015. Collection method: clinical testing. Allele origin: germline.
Comment: Variant summary: FKTN c.49A>C (p.Ser17Arg) results in a non-conservative amino acid change located in the Ribitol-5-phosphate transferase FKTN, N-terminal domain (IPR045587) of the encoded protein sequence. Algorithms developed to predict the effect of missense changes on protein structure and function all suggest that this variant is likely to be disruptive. The variant allele was found at a frequency of 1.6e-05 in 251366 control chromosomes. c.49A>C has been observed in the compound heterozygous state in individuals affected with Congenital Muscular Dystrophy (Ko_2023, Song_2021, Cha_2017, Lee_2022). These data indicate that the variant may be associated with disease. To our knowledge, no experimental evidence demonstrating an impact on protein function has been reported. The following publications have been ascertained in the context of this evaluation (PMID: 37087885, 36005429, 33200426). ClinVar contains an entry for this variant (Variation ID: 2675716). Based on the evidence outlined above, the variant was classified as likely pathogenic.

Fulgent Genetics
Classification: Likely pathogenic for Muscular dystrophy-dystroglycanopathy (congenital with brain and eye anomalies), type A, 4; Autosomal recessive limb-girdle muscular dystrophy type 2M; Dilated cardiomyopathy 1X; Muscular dystrophy-dystroglycanopathy (congenital without impaired intellectual development), type B, 4. Last evaluated: 2024-05-10. Review status: criteria provided, single submitter. Criteria: ACMG Guidelines, 2015. Collection method: clinical testing. Allele origin: germline.

Baylor Genetics
Classification: Likely pathogenic for Dilated cardiomyopathy 1X. Last evaluated: 2024-03-17. Review status: criteria provided, single submitter. Criteria: ACMG Guidelines, 2015. Collection method: clinical testing. Allele origin: unknown.

Juno Genomics, Hangzhou Juno Genomics, Inc
Classification: Likely pathogenic for Muscular dystrophy-dystroglycanopathy (congenital without impaired intellectual development), type B, 4; Dilated cardiomyopathy 1X; Muscular dystrophy-dystroglycanopathy (congenital with brain and eye anomalies), type A, 4; Autosomal recessive limb-girdle muscular dystrophy type 2M. Review status: criteria provided, single submitter. Criteria: ACMG Guidelines, 2015. Collection method: clinical testing. Allele origin: germline.
Comment: Absent from controls (or at extremely low frequency if recessive) in Genome Aggregation Database.;Multiple lines of computational evidence support a deleterious effect on the gene or gene product.;For recessive disorders, detected in trans with a pathogenic variant.;Patient's phenotype or family history is highly specific for a disease with a single genetic etiology.

Literature cited by the submitters: PubMed 33200426 (cited by Labcorp Genetics (formerly Invitae), Labcorp and Women's Health and Genetics/Laboratory Corporation of America, LabCorp); PubMed 36005429 (cited by Labcorp Genetics (formerly Invitae), Labcorp and Women's Health and Genetics/Laboratory Corporation of America, LabCorp); PubMed 37087885 (cited by Labcorp Genetics (formerly Invitae), Labcorp and Women's Health and Genetics/Laboratory Corporation of America, LabCorp).